The following is an entry in ClinVar:

NM_001008212.2(OPTN):c.749T>C (p.Leu250Pro)

Gene: OPTN (optineurin; plus strand). Cytogenetic location: 10p13.
Variant type: single nucleotide variant.
Coding change: c.749T>C on transcript NM_001008212.2 (MANE Select); coding-DNA position 749, T replaced by C.
Protein change: p.Leu250Pro; replaces leucine 250 with proline.
Molecular consequence: missense variant.
Genome position (GRCh38, 1-based): chr10:13,119,010, T>C. VCF-style: chr10-13119010-T-C. GRCh37 (hg19) VCF-style: chr10-13161010-T-C.
Other names: c.749T>C, p.Leu250Pro (NM_001008211.1, NM_001008213.1, NM_021980.4); short protein forms L250P.
Identifiers: ClinVar variation 2630709 (VCV002630709.1), dbSNP rs772668098, ClinGen allele CA5410728.
Genomic context (GRCh38, chr10:13,119,010, plus strand): 5'-AGTTAACTGTGAGCCAGCTCCTGCTGTGCCTAAGGGAAGGGAATCAGAAGGTGGAGAGAC[T>C]TGAAGTTGCACTCAAGGAGGCCAAAGAAAGGTATGAAATAGGTTAACTTGAAATATGTGT-3'
Protein context (NP_001008213.1, residues 240-260): LREGNQKVER[Leu250Pro]EVALKEAKER

ClinVar aggregate classification (germline): Uncertain significance (1 of 4 stars; one submission).

Conditions:
OPTN-related disorder. Also called: OPTN-related condition; OPTN-related disorders.

Allele frequency attached by ClinVar (database versions not stated): gnomAD exomes below 0.00001; ExAC 0.00001; gnomAD 0.00001.
gnomAD v4.1: 2 of 1,614,062 alleles (0.00012%); highest among the groups gnomAD compares: African/African-American, 0.0027%; no homozygotes.

Submission:

PreventionGenetics, part of Exact Sciences
Classification: Uncertain significance for OPTN-related condition. Last evaluated: 2023-08-28. Review status: criteria provided, single submitter. Criteria: ACMG Guidelines, 2015. Collection method: clinical testing. Allele origin: germline.
Comment: The OPTN c.749T>C variant is predicted to result in the amino acid substitution p.Leu250Pro. To our knowledge, this variant has not been reported in the literature. This variant is reported in 0.0062% of alleles in individuals of African descent in gnomAD. At this time, the clinical significance of this variant is uncertain due to the absence of conclusive functional and genetic evidence.